The following is an entry in ClinVar:

ClinVar aggregate classification (germline): Uncertain significance (1 of 4 stars; one submission).

gnomAD v4.1: 5 of 1,614,128 alleles (0.00031%); highest among the groups gnomAD compares: East Asian, 0.0022%; no homozygotes.

Submission:

Labcorp Genetics (formerly Invitae), Labcorp
Classification: Uncertain significance. Last evaluated: 2024-02-11. Review status: criteria provided, single submitter. Criteria: Invitae Variant Classification Sherloc (09022015). Collection method: clinical testing. Allele origin: germline.
Comment: This sequence change replaces glutamine, which is neutral and polar, with arginine, which is basic and polar, at codon 520 of the LZTS1 protein (p.Gln520Arg). This variant is present in population databases (rs541571892, gnomAD 0.01%). This variant has not been reported in the literature in individuals affected with LZTS1-related conditions. Advanced modeling of protein sequence and biophysical properties (such as structural, functional, and spatial information, amino acid conservation, physicochemical variation, residue mobility, and thermodynamic stability) performed at Invitae indicates that this missense variant is not expected to disrupt LZTS1 protein function with a negative predictive value of 80%. In summary, the available evidence is currently insufficient to determine the role of this variant in disease. Therefore, it has been classified as a Variant of Uncertain Significance.

NM_021020.5(LZTS1):c.1559A>G (p.Gln520Arg)

Gene: LZTS1 (leucine zipper tumor suppressor 1; minus strand). Cytogenetic location: 8p21.3.
Variant type: single nucleotide variant.
Coding change: c.1559A>G on transcript NM_021020.5 (MANE Select); coding-DNA position 1559, A replaced by G.
Protein change: p.Gln520Arg; replaces glutamine 520 with arginine.
Molecular consequence: missense variant.
Genome position (GRCh38, 1-based): chr8:20,249,954, T>C on the plus strand (A>G on the coding strand, the complement: LZTS1 is on the minus strand). VCF-style: chr8-20249954-T-C. GRCh37 (hg19) VCF-style: chr8-20107465-T-C.
Other names: c.1559A>G, p.Gln520Arg (NM_001362884.2); short protein forms Q520R.
Identifiers: ClinVar variation 3603832 (VCV003603832.2).